The following is an entry in ClinVar:

NM_004415.4(DSP):c.3218A>T (p.Lys1073Ile)

Gene: DSP (desmoplakin; plus strand). Cytogenetic location: 6p24.3.
Variant type: single nucleotide variant.
Coding change: c.3218A>T on transcript NM_004415.4 (MANE Select); coding-DNA position 3218, A replaced by T.
Protein change: p.Lys1073Ile; replaces lysine 1073 with isoleucine.
Molecular consequence: missense variant.
Genome position (GRCh38, 1-based): chr6:7,579,408, A>T. VCF-style: chr6-7579408-A-T. GRCh37 (hg19) VCF-style: chr6-7579641-A-T.
Other names: c.3218A>T, p.Lys1073Ile (NM_001008844.3, NM_001319034.2); short protein forms K1073I.
Identifiers: ClinVar variation 920872 (VCV000920872.4), dbSNP rs1759344349, ClinGen allele CA362683326.

ClinVar aggregate classification (germline): Uncertain significance (1 of 4 stars; one submission).

Conditions:
Cardiomyopathy (CMYO). Also called: Cardiomyopathies. Identifiers: Orphanet 167848, MedGen C0878544, MONDO:0004994, HP:0001638. Inheritance: Various modes of inheritance.

Allele frequency attached by ClinVar (database versions not stated): gnomAD below 0.00001 and 0.00001.
gnomAD v4.1: 3 of 1,614,086 alleles (0.00019%); highest among the groups gnomAD compares: South Asian, 0.0033%; no homozygotes.

Submission:

Color Diagnostics, LLC DBA Color Health
Classification: Uncertain significance for Cardiomyopathy. Last evaluated: 2025-03-10. Review status: criteria provided, single submitter. Criteria: ACMG Guidelines, 2015. Collection method: clinical testing. Allele origin: germline.
Comment: This missense variant replaces lysine with isoleucine at codon 1073 of the DSP protein. Computational prediction suggests that this variant may not impact protein structure and function (internally defined REVEL score threshold <= 0.5, PMID: 27666373). Splice site prediction tools suggest that this variant may not impact RNA splicing. To our knowledge, functional studies have not been reported for this variant. This variant has not been reported in individuals affected with cardiovascular disorders in the literature. This variant has not been identified in the general population by the Genome Aggregation Database (gnomAD). The available evidence is insufficient to determine the role of this variant in disease conclusively. Therefore, this variant is classified as a Variant of Uncertain Significance.